The following is an entry in ClinVar:

NM_000944.5(PPP3CA):c.912A>G (p.Thr304=)

Gene: PPP3CA (protein phosphatase 3 catalytic subunit alpha; minus strand). Cytogenetic location: 4q24.
Variant type: single nucleotide variant.
Coding change: c.912A>G on transcript NM_000944.5 (MANE Select); coding-DNA position 912, A replaced by G.
Protein change: p.Thr304=; no amino-acid change (threonine 304 retained).
Molecular consequence: synonymous variant.
Genome position (GRCh38, 1-based): chr4:101,080,575, T>C on the plus strand (A>G on the coding strand, the complement: PPP3CA is on the minus strand). VCF-style: chr4-101080575-T-C. GRCh37 (hg19) VCF-style: chr4-102001732-T-C.
Other names: c.912A>G, p.Thr304= (NM_001130691.2, NM_001130692.2).
Identifiers: ClinVar variation 2073473 (VCV002073473.26), dbSNP rs1231565947, ClinGen allele CA440386476.

ClinVar aggregate classification (germline): Likely benign. Review status: criteria provided, multiple submitters, no conflicts (2 of 4 stars). 2 submissions from 2 submitters: Likely benign (2). Last evaluated 2023-12-01.

Allele frequency attached by ClinVar (database versions not stated): gnomAD exomes below 0.00001.
gnomAD v4.1: 1 of 1,535,932 alleles (0.000065%); highest among the groups gnomAD compares: Non-Finnish European, 0.000088%; no homozygotes.

Submissions (2):

CeGaT Center for Human Genetics Tuebingen
Classification: Likely benign. Last evaluated: 2023-12-01. Review status: criteria provided, single submitter. Criteria: CeGaT Center For Human Genetics Tuebingen Variant Classification Criteria Version 2. Collection method: clinical testing. Allele origin: germline. Affected: yes. Observed: 1 variant allele.
Comment: PPP3CA: BP4, BP7

Labcorp Genetics (formerly Invitae), Labcorp
Classification: Likely benign. Last evaluated: 2022-01-05. Review status: criteria provided, single submitter. Criteria: Invitae Variant Classification Sherloc (09022015). Collection method: clinical testing. Allele origin: germline.